The following is an entry in ClinVar:

NM_001447.3(FAT2):c.682C>T (p.Arg228Trp)

Gene: FAT2 (FAT atypical cadherin 2; minus strand). Cytogenetic location: 5q33.1.
Variant type: single nucleotide variant.
Coding change: c.682C>T on transcript NM_001447.3 (MANE Select); coding-DNA position 682, C replaced by T.
Protein change: p.Arg228Trp; replaces arginine 228 with tryptophan.
Molecular consequence: missense variant.
Genome position (GRCh38, 1-based): chr5:151,568,250, G>A on the plus strand (C>T on the coding strand, the complement: FAT2 is on the minus strand). VCF-style: chr5-151568250-G-A. GRCh37 (hg19) VCF-style: chr5-150947811-G-A.
Other names: short protein forms R228W.
Identifiers: ClinVar variation 2892763 (VCV002892763.3), dbSNP rs752704380, ClinGen allele CA3522391.

ClinVar aggregate classification (germline): Uncertain significance (1 of 4 stars; one submission).

Allele frequency attached by ClinVar (database versions not stated): ExAC 0.00002; TOPMed 0.00002; gnomAD 0.00003.

Submission:

Labcorp Genetics (formerly Invitae), Labcorp
Classification: Uncertain significance. Last evaluated: 2023-02-01. Review status: criteria provided, single submitter. Criteria: Invitae Variant Classification Sherloc (09022015). Collection method: clinical testing. Allele origin: germline.
Comment: Algorithms developed to predict the effect of missense changes on protein structure and function (SIFT, PolyPhen-2, Align-GVGD) all suggest that this variant is likely to be disruptive. In summary, the available evidence is currently insufficient to determine the role of this variant in disease. Therefore, it has been classified as a Variant of Uncertain Significance. This variant has not been reported in the literature in individuals affected with FAT2-related conditions. This variant is present in population databases (rs752704380, gnomAD 0.007%). This sequence change replaces arginine, which is basic and polar, with tryptophan, which is neutral and slightly polar, at codon 228 of the FAT2 protein (p.Arg228Trp).